The following is an entry in ClinVar:

NM_013275.6(ANKRD11):c.512G>T (p.Arg171Leu)

Gene: ANKRD11 (ankyrin repeat domain containing 11; minus strand). Cytogenetic location: 16q24.3.
Variant type: single nucleotide variant.
Coding change: c.512G>T on transcript NM_013275.6 (MANE Select); coding-DNA position 512, G replaced by T.
Protein change: p.Arg171Leu; replaces arginine 171 with leucine.
Molecular consequence: missense variant. On other transcripts: non-coding transcript variant (1).
Genome position (GRCh38, 1-based): chr16:89,290,714, C>A on the plus strand (G>T on the coding strand, the complement: ANKRD11 is on the minus strand). VCF-style: chr16-89290714-C-A. GRCh37 (hg19) VCF-style: chr16-89357122-C-A.
Other names: c.512G>T, p.Arg171Leu (NM_001256182.2, NM_001256183.2); short protein forms R171L.
Identifiers: ClinVar variation 2502737 (VCV002502737.1), dbSNP rs200994100, ClinGen allele CA397167290.

ClinVar aggregate classification (germline): Uncertain significance (1 of 4 stars; one submission).

Submission:

GeneDx
Classification: Uncertain significance. Last evaluated: 2022-11-18. Review status: criteria provided, single submitter. Criteria: GeneDx Variant Classification Process June 2021. Collection method: clinical testing. Allele origin: germline. Affected: yes.
Comment: In silico analysis supports that this missense variant has a deleterious effect on protein structure/function; Not observed at significant frequency in large population cohorts (gnomAD); Has not been previously published as pathogenic or benign to our knowledge